The following is an entry in ClinVar:

NM_012469.4(PRPF6):c.1580G>A (p.Arg527His)

Genes: PRPF6 (pre-mRNA processing factor 6; plus strand), LOC126863090 (P300/CBP strongly-dependent group 1 enhancer GRCh37_chr20:62648052-62649251; plus strand). Cytogenetic location: 20q13.33.
Variant type: single nucleotide variant.
Coding change: c.1580G>A on transcript NM_012469.4 (MANE Select); coding-DNA position 1580, G replaced by A.
Protein change: p.Arg527His; replaces arginine 527 with histidine.
Molecular consequence: missense variant.
Genome position (GRCh38, 1-based): chr20:64,016,778, G>A. VCF-style: chr20-64016778-G-A. GRCh37 (hg19) VCF-style: chr20-62648131-G-A.
Other names: short protein forms R527H.
Identifiers: ClinVar variation 3219209 (VCV003219209.2), dbSNP rs371456581, ClinGen allele CA9972226.

ClinVar aggregate classification (germline): Uncertain significance. Review status: criteria provided, multiple submitters, no conflicts (2 of 4 stars). 2 submissions from 2 submitters: Uncertain significance (2). Last evaluated 2025-04-30.

Allele frequency attached by ClinVar (database versions not stated): ExAC 0.00001.
gnomAD v4.1: 13 of 1,614,014 alleles (0.00081%); highest among the groups gnomAD compares: South Asian, 0.0022%; no homozygotes.

Submissions (2):

Labcorp Genetics (formerly Invitae), Labcorp
Classification: Uncertain significance. Last evaluated: 2025-04-30. Review status: criteria provided, single submitter. Criteria: Invitae Variant Classification Sherloc (09022015). Collection method: clinical testing. Allele origin: germline.
Comment: This sequence change replaces arginine, which is basic and polar, with histidine, which is basic and polar, at codon 527 of the PRPF6 protein (p.Arg527His). This variant is present in population databases (rs371456581, gnomAD 0.003%). This variant has not been reported in the literature in individuals affected with PRPF6-related conditions. ClinVar contains an entry for this variant (Variation ID: 3219209). Invitae Evidence Modeling of protein sequence and biophysical properties (such as structural, functional, and spatial information, amino acid conservation, physicochemical variation, residue mobility, and thermodynamic stability) indicates that this missense variant is not expected to disrupt PRPF6 protein function with a negative predictive value of 80%. In summary, the available evidence is currently insufficient to determine the role of this variant in disease. Therefore, it has been classified as a Variant of Uncertain Significance.

Ambry Genetics
Classification: Uncertain significance. Last evaluated: 2023-01-20. Review status: criteria provided, single submitter. Criteria: Ambry Variant Classification Scheme 2023. Collection method: clinical testing. Allele origin: germline.